The following is an entry in ClinVar:

ClinVar aggregate classification (germline): Uncertain significance (1 of 4 stars; one submission).

Conditions:
Hereditary breast ovarian cancer syndrome. Also called: Hereditary breast and ovarian cancer syndrome (HBOC); Hereditary breast and/or ovarian cancer syndrome; Hereditary breast and ovarian cancer syndrome; Breast and ovarian cancer; Hereditary breast and ovarian cancer; BRCA1- and BRCA2-Associated Hereditary Breast and Ovarian Cancer. Identifiers: Orphanet 145, MedGen C0677776, MeSH D061325, MONDO:0003582. Disease mechanism: loss of function.

Submission:

Labcorp Genetics (formerly Invitae), Labcorp
Classification: Uncertain significance for Hereditary breast ovarian cancer syndrome. Last evaluated: 2023-09-28. Review status: criteria provided, single submitter. Criteria: Invitae Variant Classification Sherloc (09022015). Collection method: clinical testing. Allele origin: germline.
Comment: This variant occurs in a non-coding region of the BRCA2 gene. It does not change the encoded amino acid sequence of the BRCA2 protein. This variant is not present in population databases (gnomAD no frequency). This variant has not been reported in the literature in individuals affected with BRCA2-related conditions. Experimental studies and prediction algorithms are not available or were not evaluated, and the functional significance of this variant is currently unknown. In summary, the available evidence is currently insufficient to determine the role of this variant in disease. Therefore, it has been classified as a Variant of Uncertain Significance.

NM_000059.4(BRCA2):c.-143_-142insCGTCTTTTAGCATACAGGTCTTGTGCAGCTTTTATCAGATTTCTTCCTCTAAGTCTTGATACTTTTTTTTTTTTTAATAATACTTTAAGTTCCGCAATACATGTGCAGAACCTGCAGGTTTGTTACATAGGTATACACGTGCCATGGTGGTTTGCTACACCCATCAACCTGTCATCTACATTAGATATTTCTCCTAATGCTATCCCTTCCCTAGCCCCCCATCCCCCAATAGCCCCCGGTGTGTGATGTTCCCTGCCCTGTGTCCACGTGTTCTCATTGTTCAACTCCCACTTATCAGTGAGAACACGCGGTGTTTGTTTTTCTGTTCTCGTGTTATTTTTCTGAGAATGATATGGTTTCCAGCTTCATCCATGTCCCTGCAAAGGACATGAACTCATTCTTTTTTATGGCCACATAGTATTCTGTGGTGTATATGGGCCACATTTTCTTTATCCAGTCTATCATTGATGGGCATTTGGGTAGGTTCCAAGTCTTTGCTAATTTTGAAATTATCATTTCACAGCTTAATTTCTGATGGTTCCTTGCTAGTATTTAGAAATACAATTGATTTTTTTATGTTGATCTTAAAAAATTGCAAGCTTACCTATCTTGTTTATTAGATCTAGTAACTTATTTGTAGATTCCATTGGGTTTTCTACAAATAGACTCATGTTGCCTAAGAATAAAGGCTTACTTTTTTCCCACTATGAATCCTTTTTATTTGTATTTTTTTCCTTGCCTTATTGCACTGGCTAGAATCTAAAGTATAATGTTGAACAGACATGGTGAGAGCAGATATTCTTACAACTGACCCACACTTAGGTTTGTGGAGAAAGCACTCAGTCTTTCACCATTAAGTATGTTAACTGTACTTAGTTAACTGTAGGGC

Genes: BRCA2 (BRCA2 DNA repair associated; plus strand), LOC106721785 (BRCA2 promoter/silencer region; plus strand). Cytogenetic location: 13q13.1.
Variant type: Insertion.
Coding change: c.-143_-142insCGTCTTTTAGCATACAGGTCTTGTGCAGCTTTTATCAGATTTCTTCCTCTAAGTCTTGATACTTTTTTTTTTTTTAATAATACTTTAAGTTCCGCAATACATGTGCAGAACCTGCAGGTTTGTTACATAGGTATACACGTGCCATGGTGGTTTGCTACACCCATCAACCTGTCATCTACATTAGATATTTCTCCTAATGCTATCCCTTCCCTAGCCCCCCATCCCCCAATAGCCCCCGGTGTGTGATGTTCCCTGCCCTGTGTCCACGTGTTCTCATTGTTCAACTCCCACTTATCAGTGAGAACACGCGGTGTTTGTTTTTCTGTTCTCGTGTTATTTTTCTGAGAATGATATGGTTTCCAGCTTCATCCATGTCCCTGCAAAGGACATGAACTCATTCTTTTTTATGGCCACATAGTATTCTGTGGTGTATATGGGCCACATTTTCTTTATCCAGTCTATCATTGATGGGCATTTGGGTAGGTTCCAAGTCTTTGCTAATTTTGAAATTATCATTTCACAGCTTAATTTCTGATGGTTCCTTGCTAGTATTTAGAAATACAATTGATTTTTTTATGTTGATCTTAAAAAATTGCAAGCTTACCTATCTTGTTTATTAGATCTAGTAACTTATTTGTAGATTCCATTGGGTTTTCTACAAATAGACTCATGTTGCCTAAGAATAAAGGCTTACTTTTTTCCCACTATGAATCCTTTTTATTTGTATTTTTTTCCTTGCCTTATTGCACTGGCTAGAATCTAAAGTATAATGTTGAACAGACATGGTGAGAGCAGATATTCTTACAACTGACCCACACTTAGGTTTGTGGAGAAAGCACTCAGTCTTTCACCATTAAGTATGTTAACTGTACTTAGTTAACTGTAGGGC on transcript NM_000059.4 (MANE Select); 143 bases upstream of the start codon through 142 bases upstream of the start codon, CGTCTTTTAGCATACAGGTCTTGTGCAGCTTTTATCAGATTTCTTCCTCTAAGTCTTGATACTTTTTTTTTTTTTAATAATACTTTAAGTTCCGCAATACATGTGCAGAACCTGCAGGTTTGTTACATAGGTATACACGTGCCATGGTGGTTTGCTACACCCATCAACCTGTCATCTACATTAGATATTTCTCCTAATGCTATCCCTTCCCTAGCCCCCCATCCCCCAATAGCCCCCGGTGTGTGATGTTCCCTGCCCTGTGTCCACGTGTTCTCATTGTTCAACTCCCACTTATCAGTGAGAACACGCGGTGTTTGTTTTTCTGTTCTCGTGTTATTTTTCTGAGAATGATATGGTTTCCAGCTTCATCCATGTCCCTGCAAAGGACATGAACTCATTCTTTTTTATGGCCACATAGTATTCTGTGGTGTATATGGGCCACATTTTCTTTATCCAGTCTATCATTGATGGGCATTTGGGTAGGTTCCAAGTCTTTGCTAATTTTGAAATTATCATTTCACAGCTTAATTTCTGATGGTTCCTTGCTAGTATTTAGAAATACAATTGATTTTTTTATGTTGATCTTAAAAAATTGCAAGCTTACCTATCTTGTTTATTAGATCTAGTAACTTATTTGTAGATTCCATTGGGTTTTCTACAAATAGACTCATGTTGCCTAAGAATAAAGGCTTACTTTTTTCCCACTATGAATCCTTTTTATTTGTATTTTTTTCCTTGCCTTATTGCACTGGCTAGAATCTAAAGTATAATGTTGAACAGACATGGTGAGAGCAGATATTCTTACAACTGACCCACACTTAGGTTTGTGGAGAAAGCACTCAGTCTTTCACCATTAAGTATGTTAACTGTACTTAGTTAACTGTAGGGC inserted.
Molecular consequence: 5 prime UTR variant. On other transcripts: non-coding transcript variant (1).
Genome position: GRCh38: chr13:32,315,564-32,315,565. GRCh37 (hg19): chr13:32,889,701-32,889,702.
Other names: c.-143_-142insCGTCTTTTAGCATACAGGTCTTGTGCAGCTTTTATCAGATTTCTTCCTCTAAGTCTTGATACTTTTTTTTTTTTTAATAATACTTTAAGTTCCGCAATACATGTGCAGAACCTGCAGGTTTGTTACATAGGTATACACGTGCCATGGTGGTTTGCTACACCCATCAACCTGTCATCTACATTAGATATTTCTCCTAATGCTATCCCTTCCCTAGCCCCCCATCCCCCAATAGCCCCCGGTGTGTGATGTTCCCTGCCCTGTGTCCACGTGTTCTCATTGTTCAACTCCCACTTATCAGTGAGAACACGCGGTGTTTGTTTTTCTGTTCTCGTGTTATTTTTCTGAGAATGATATGGTTTCCAGCTTCATCCATGTCCCTGCAAAGGACATGAACTCATTCTTTTTTATGGCCACATAGTATTCTGTGGTGTATATGGGCCACATTTTCTTTATCCAGTCTATCATTGATGGGCATTTGGGTAGGTTCCAAGTCTTTGCTAATTTTGAAATTATCATTTCACAGCTTAATTTCTGATGGTTCCTTGCTAGTATTTAGAAATACAATTGATTTTTTTATGTTGATCTTAAAAAATTGCAAGCTTACCTATCTTGTTTATTAGATCTAGTAACTTATTTGTAGATTCCATTGGGTTTTCTACAAATAGACTCATGTTGCCTAAGAATAAAGGCTTACTTTTTTCCCACTATGAATCCTTTTTATTTGTATTTTTTTCCTTGCCTTATTGCACTGGCTAGAATCTAAAGTATAATGTTGAACAGACATGGTGAGAGCAGATATTCTTACAACTGACCCACACTTAGGTTTGTGGAGAAAGCACTCAGTCTTTCACCATTAAGTATGTTAACTGTACTTAGTTAACTGTAGGGC (NM_001406719.1, NM_001406720.1, NM_001406721.1); c.-406_-405insCGTCTTTTAGCATACAGGTCTTGTGCAGCTTTTATCAGATTTCTTCCTCTAAGTCTTGATACTTTTTTTTTTTTTAATAATACTTTAAGTTCCGCAATACATGTGCAGAACCTGCAGGTTTGTTACATAGGTATACACGTGCCATGGTGGTTTGCTACACCCATCAACCTGTCATCTACATTAGATATTTCTCCTAATGCTATCCCTTCCCTAGCCCCCCATCCCCCAATAGCCCCCGGTGTGTGATGTTCCCTGCCCTGTGTCCACGTGTTCTCATTGTTCAACTCCCACTTATCAGTGAGAACACGCGGTGTTTGTTTTTCTGTTCTCGTGTTATTTTTCTGAGAATGATATGGTTTCCAGCTTCATCCATGTCCCTGCAAAGGACATGAACTCATTCTTTTTTATGGCCACATAGTATTCTGTGGTGTATATGGGCCACATTTTCTTTATCCAGTCTATCATTGATGGGCATTTGGGTAGGTTCCAAGTCTTTGCTAATTTTGAAATTATCATTTCACAGCTTAATTTCTGATGGTTCCTTGCTAGTATTTAGAAATACAATTGATTTTTTTATGTTGATCTTAAAAAATTGCAAGCTTACCTATCTTGTTTATTAGATCTAGTAACTTATTTGTAGATTCCATTGGGTTTTCTACAAATAGACTCATGTTGCCTAAGAATAAAGGCTTACTTTTTTCCCACTATGAATCCTTTTTATTTGTATTTTTTTCCTTGCCTTATTGCACTGGCTAGAATCTAAAGTATAATGTTGAACAGACATGGTGAGAGCAGATATTCTTACAACTGACCCACACTTAGGTTTGTGGAGAAAGCACTCAGTCTTTCACCATTAAGTATGTTAACTGTACTTAGTTAACTGTAGGGC (NM_001406722.1).
Identifiers: ClinVar variation 2761421 (VCV002761421.3), dbSNP rs2548508704, ClinGen allele CA2697551706.